The following is an entry in ClinVar:

ClinVar aggregate classification (germline): Uncertain significance (1 of 4 stars; one submission).

Conditions:
Cowden syndrome (CS). Also called: Cowden disease; Cowden's disease; Cowden's syndrome. Identifiers: Orphanet 201, MedGen C0018553, MONDO:0016063. Disease mechanism: gain of function.

Submission:

Labcorp Genetics (formerly Invitae), Labcorp
Classification: Uncertain significance for Cowden syndrome. Last evaluated: 2024-03-06. Review status: criteria provided, single submitter. Criteria: Invitae Variant Classification Sherloc (09022015). Collection method: clinical testing. Allele origin: germline.
Comment: This sequence change replaces alanine, which is neutral and non-polar, with glycine, which is neutral and non-polar, at codon 518 of the PIK3CA protein (p.Ala518Gly). This variant is not present in population databases (gnomAD no frequency). This variant has not been reported in the literature in individuals affected with PIK3CA-related conditions. ClinVar contains an entry for this variant (Variation ID: 847139). Advanced modeling of protein sequence and biophysical properties (such as structural, functional, and spatial information, amino acid conservation, physicochemical variation, residue mobility, and thermodynamic stability) has been performed at Invitae for this missense variant, however the output from this modeling did not meet the statistical confidence thresholds required to predict the impact of this variant on PIK3CA protein function. In summary, the available evidence is currently insufficient to determine the role of this variant in disease. Therefore, it has been classified as a Variant of Uncertain Significance.

NM_006218.4(PIK3CA):c.1553C>G (p.Ala518Gly)

Gene: PIK3CA (phosphatidylinositol-4,5-bisphosphate 3-kinase catalytic subunit alpha; plus strand). Cytogenetic location: 3q26.32.
Variant type: single nucleotide variant.
Coding change: c.1553C>G on transcript NM_006218.4 (MANE Select); coding-DNA position 1553, C replaced by G.
Protein change: p.Ala518Gly; replaces alanine 518 with glycine.
Molecular consequence: missense variant.
Genome position (GRCh38, 1-based): chr3:179,218,223, C>G. VCF-style: chr3-179218223-C-G. GRCh37 (hg19) VCF-style: chr3-178936011-C-G.
Other names: short protein forms A518G.
Identifiers: ClinVar variation 847139 (VCV000847139.10), dbSNP rs1724885747, ClinGen allele CA355264515.